The following is an entry in ClinVar:

NM_001349798.2(FBXW7):c.502-2476A>G

Gene: FBXW7 (F-box and WD repeat domain containing 7; minus strand). Cytogenetic location: 4q31.3.
Variant type: single nucleotide variant.
Coding change: c.502-2476A>G on transcript NM_001349798.2 (MANE Select); 2476 bases into the intron before coding-DNA position 502, A replaced by G.
Molecular consequence: intron variant. On other transcripts: missense variant (1).
Genome position (GRCh38, 1-based): chr4:152,352,600, T>C on the plus strand (A>G on the coding strand, the complement: FBXW7 is on the minus strand). VCF-style: chr4-152352600-T-C. GRCh37 (hg19) VCF-style: chr4-153273752-T-C.
Other names: c.131A>G, p.Tyr44Cys (NM_018315.5); c.148-2476A>G (NM_001013415.2); c.502-2476A>G (NM_033632.3); short protein forms Y44C.
Identifiers: ClinVar variation 4056109 (VCV004056109.2).

ClinVar aggregate classification (germline): Uncertain significance (1 of 4 stars; one submission).

Conditions:
Developmental delay, hypotonia, and impaired language (DEDHIL). Identifiers: MedGen C5774202, MONDO:0859280, OMIM 620012.

gnomAD v4.1: 1 of 1,613,858 alleles (0.000062%); highest among the groups gnomAD compares: South Asian, 0.0011%; no homozygotes.

Submission:

St. Jude Molecular Pathology, St. Jude Children's Research Hospital
Classification: Uncertain significance for Developmental delay, hypotonia, and impaired language. Last evaluated: 2025-06-17. Review status: criteria provided, single submitter. Criteria: St. Jude Assertion Criteria 2020. Collection method: clinical testing. Allele origin: germline.
Comment: The FBXW7 c.131A>G p.(Tyr44Cys) missense change has a maximum subpopulation frequency of 0.003% in gnomAD v2.1.1. The in silico tool REVEL predicts a benign effect on protein function, but to our knowledge this prediction has not been confirmed by functional studies. To our knowledge, this variant has not been reported in the literature in individuals with FBXW7-associated conditions. In summary, the evidence currently available is insufficient to determine the clinical significance of this variant. It has therefore been classified as of uncertain signifi cance.